The following is an entry in ClinVar:

NM_000143.4(FH):c.805A>G (p.Ile269Val)

Gene: FH (fumarate hydratase; minus strand). Cytogenetic location: 1q43.
Variant type: single nucleotide variant.
Coding change: c.805A>G on transcript NM_000143.4 (MANE Select); coding-DNA position 805, A replaced by G.
Protein change: p.Ile269Val; replaces isoleucine 269 with valine.
Molecular consequence: missense variant.
Genome position (GRCh38, 1-based): chr1:241,506,102, T>C on the plus strand (A>G on the coding strand, the complement: FH is on the minus strand). VCF-style: chr1-241506102-T-C. GRCh37 (hg19) VCF-style: chr1-241669402-T-C.
Other names: short protein forms I269V.
Identifiers: ClinVar variation 480832 (VCV000480832.22), dbSNP rs377015873, ClinGen allele CA40328204.

ClinVar aggregate classification (germline): Uncertain significance. Review status: criteria provided, multiple submitters, no conflicts (2 of 4 stars). 4 submissions from 4 submitters: Uncertain significance (3). 1 of the submissions does not count toward it. Last evaluated 2026-01-18.

Conditions:
Fumarase deficiency (FMRD). Also called: Fumarate Hydratase Deficiency; Fumaric aciduria. Identifiers: Orphanet 24, MedGen C0342770, MONDO:0011730, OMIM 606812.
Hereditary cancer-predisposing syndrome. Also called: Tumor predisposition; Hereditary neoplastic syndrome; Neoplastic Syndromes, Hereditary; Hereditary Cancer Syndrome. Identifiers: Orphanet 140162, MedGen C0027672, MeSH D009386, MONDO:0015356.
Hereditary leiomyomatosis and renal cell cancer. Also called: Familial leiomyomatosis; MULTIPLE CUTANEOUS AND UTERINE LEIOMYOMATA 1, WITH OR WITHOUT RENAL CELL CARCINOMA; Multiple cutaneous leiomyomas; Reed syndrome; Multiple cutaneous and uterine leiomyomatosis; Cutaneous leiomyomata with uterine leiomyomata. Identifiers: Orphanet 523, MedGen C1708350, MONDO:0007888, OMIM 150800, HP:0007437. Disease mechanism: loss of function.

Allele frequency attached by ClinVar (database versions not stated): gnomAD exomes below 0.00001; gnomAD 0.00001; TOPMed 0.00001; ESP Exome Variant Server 0.00008.
gnomAD v4.1: 5 of 1,613,946 alleles (0.00031%); highest among the groups gnomAD compares: African/African-American, 0.004%; no homozygotes.

Submissions (4):

Labcorp Genetics (formerly Invitae), Labcorp
Classification: Uncertain significance. Last evaluated: 2026-01-18. Review status: criteria provided, single submitter. Criteria: Invitae Variant Classification Sherloc (09022015). Collection method: clinical testing. Allele origin: germline.
Comment: This sequence change replaces isoleucine, which is neutral and non-polar, with valine, which is neutral and non-polar, at codon 269 of the FH protein (p.Ile269Val). This variant is present in population databases (rs377015873, gnomAD 0.01%). This variant has not been reported in the literature in individuals affected with FH-related conditions. ClinVar contains an entry for this variant (Variation ID: 480832). Invitae Evidence Modeling of protein sequence and biophysical properties (such as structural, functional, and spatial information, amino acid conservation, physicochemical variation, residue mobility, and thermodynamic stability) indicates that this missense variant is not expected to disrupt FH protein function with a negative predictive value of 95%. In summary, the available evidence is currently insufficient to determine the role of this variant in disease. Therefore, it has been classified as a Variant of Uncertain Significance.

Ambry Genetics
Classification: Uncertain significance for Hereditary cancer-predisposing syndrome. Last evaluated: 2025-06-06. Review status: criteria provided, single submitter. Criteria: Ambry Variant Classification Scheme 2023. Collection method: clinical testing. Allele origin: germline.
Comment: The p.I269V variant (also known as c.805A>G), located in coding exon 6 of the FH gene, results from an A to G substitution at nucleotide position 805. The isoleucine at codon 269 is replaced by valine, an amino acid with highly similar properties. This amino acid position is not well conserved in available vertebrate species, and valine is the reference amino acid in other vertebrate species. In addition, the in silico prediction for this alteration is inconclusive. Since supporting evidence is limited at this time, the clinical significance of this alteration remains unclear.

St. Jude Molecular Pathology, St. Jude Children's Research Hospital
Classification: Uncertain significance for Hereditary leiomyomatosis and renal cell cancer. Last evaluated: 2021-07-29. Review status: criteria provided, single submitter. Criteria: St. Jude Assertion Criteria 2020. Collection method: clinical testing. Allele origin: germline.
Comment: The FH c.805A>G (p.Ile269Val) missense change has a maximum subpopulation frequency of 0.011% in gnomAD v2.1.1 (PM2_supporting). Five of seven in silico tools predict a benign effect of this variant on protein function (BP4), but to our knowledge these predictions have not been confirmed by functional studies. To our knowledge, this variant has not been reported in individuals with HLRCC. In summary, this variant meets criteria to be classified as of uncertain significance based on the ACMG/AMP criteria: PM2_supporting.

Natera, Inc.
Classification: Uncertain significance for Fumarase Deficiency. Last evaluated: 2020-11-28. Review status: no assertion criteria provided. Collection method: clinical testing. Allele origin: germline. Not counted in ClinVar's aggregate classification.